The following is an entry in ClinVar:

ClinVar aggregate classification (germline): Uncertain significance (1 of 4 stars; one submission).

Allele frequency attached by ClinVar (database versions not stated): gnomAD exomes below 0.00001.
gnomAD v4.1: 1 of 1,613,956 alleles (0.000062%); highest among the groups gnomAD compares: Non-Finnish European, 0.000085%; no homozygotes.

Submission:

Labcorp Genetics (formerly Invitae), Labcorp
Classification: Uncertain significance. Last evaluated: 2021-12-20. Review status: criteria provided, single submitter. Criteria: Invitae Variant Classification Sherloc (09022015). Collection method: clinical testing. Allele origin: germline.
Comment: In summary, the available evidence is currently insufficient to determine the role of this variant in disease. Therefore, it has been classified as a Variant of Uncertain Significance. Algorithms developed to predict the effect of missense changes on protein structure and function are either unavailable or do not agree on the potential impact of this missense change (SIFT: "Not Available"; PolyPhen-2: "Probably Damaging"; Align-GVGD: "Not Available"). This variant has not been reported in the literature in individuals affected with TRAPPC9-related conditions. This variant is present in population databases (no rsID available, gnomAD 0.0009%). This sequence change replaces glycine, which is neutral and non-polar, with valine, which is neutral and non-polar, at codon 177 of the TRAPPC9 protein (p.Gly177Val).

NM_001160372.4(TRAPPC9):c.236G>T (p.Gly79Val)

Gene: TRAPPC9 (trafficking protein particle complex subunit 9; minus strand). Cytogenetic location: 8q24.3.
Variant type: single nucleotide variant.
Coding change: c.236G>T on transcript NM_001160372.4 (MANE Select); coding-DNA position 236, G replaced by T.
Protein change: p.Gly79Val; replaces glycine 79 with valine.
Molecular consequence: missense variant. On other transcripts: non-coding transcript variant (1).
Genome position (GRCh38, 1-based): chr8:140,451,138, C>A on the plus strand (G>T on the coding strand, the complement: TRAPPC9 is on the minus strand). VCF-style: chr8-140451138-C-A. GRCh37 (hg19) VCF-style: chr8-141461237-C-A.
Other names: c.236G>T, p.Gly79Val (NM_001321646.2, NM_001374682.1, NM_001374683.1 and 2 more transcripts); short protein forms G79V.
Identifiers: ClinVar variation 1345813 (VCV001345813.6), dbSNP rs1409615854, ClinGen allele CA372318844.